The following is an entry in ClinVar:

NM_000465.4(BARD1):c.1255A>G (p.Asn419Asp)

Gene: BARD1 (BRCA1 associated RING domain 1; minus strand). Cytogenetic location: 2q35.
Variant type: single nucleotide variant.
Coding change: c.1255A>G on transcript NM_000465.4 (MANE Select); coding-DNA position 1255, A replaced by G.
Protein change: p.Asn419Asp; replaces asparagine 419 with aspartic acid.
Molecular consequence: missense variant. On other transcripts: non-coding transcript variant (2), intron variant (3).
Genome position (GRCh38, 1-based): chr2:214,780,619, T>C on the plus strand (A>G on the coding strand, the complement: BARD1 is on the minus strand). VCF-style: chr2-214780619-T-C. GRCh37 (hg19) VCF-style: chr2-215645343-T-C.
Other names: c.1198A>G, p.Asn400Asp (NM_001282543.2); c.159-28064A>G (NM_001282548.2); c.215+16442A>G (NM_001282545.2); c.364+11678A>G (NM_001282549.2); short protein forms N419D, N400D.
Identifiers: ClinVar variation 460697 (VCV000460697.13), dbSNP rs199834790, ClinGen allele CA64787909.

ClinVar aggregate classification (germline): Conflicting classifications of pathogenicity. Review status: criteria provided, conflicting classifications (1 of 4 stars). 3 submissions from 3 submitters: Uncertain significance (2); Likely benign (1). Last evaluated 2024-12-05.

Conditions:
Hereditary cancer-predisposing syndrome. Also called: Neoplastic Syndromes, Hereditary; Tumor predisposition; Hereditary Cancer Syndrome; Hereditary neoplastic syndrome. Identifiers: Orphanet 140162, MedGen C0027672, MeSH D009386, MONDO:0015356.
Familial cancer of breast. Also called: BREAST CANCER, FAMILIAL; hereditary breast carcinoma; Hereditary breast cancer. Identifiers: Orphanet 227535, MedGen C0346153, MONDO:0016419, OMIM 114480. Disease mechanism: loss of function.

Allele frequency attached by ClinVar (database versions not stated): 1000 Genomes Project 30x 0.00016; 1000 Genomes Project 0.00020; gnomAD exomes below 0.00001; gnomAD 0.00001.
gnomAD v4.1: 3 of 1,614,130 alleles (0.00019%); highest among the groups gnomAD compares: East Asian, 0.0022%; no homozygotes.

Submissions (3):

GeneDx
Classification: Uncertain significance. Last evaluated: 2024-12-05. Review status: criteria provided, single submitter. Criteria: GeneDx Variant Classification Process June 2021. Collection method: clinical testing. Allele origin: germline. Affected: yes.
Comment: Not observed at significant frequency in large population cohorts (gnomAD); In silico analysis indicates that this missense variant does not alter protein structure/function; Has not been previously published as pathogenic or benign to our knowledge

Ambry Genetics
Classification: Likely benign for Hereditary cancer-predisposing syndrome. Last evaluated: 2024-02-26. Review status: criteria provided, single submitter. Criteria: Ambry Variant Classification Scheme 2023. Collection method: clinical testing. Allele origin: germline.

Labcorp Genetics (formerly Invitae), Labcorp
Classification: Uncertain significance for Familial cancer of breast. Last evaluated: 2022-10-16. Review status: criteria provided, single submitter. Criteria: Invitae Variant Classification Sherloc (09022015). Collection method: clinical testing. Allele origin: germline.
Comment: This variant has not been reported in the literature in individuals affected with BARD1-related conditions. This variant is not present in population databases (gnomAD no frequency). This sequence change replaces asparagine, which is neutral and polar, with aspartic acid, which is acidic and polar, at codon 419 of the BARD1 protein (p.Asn419Asp). ClinVar contains an entry for this variant (Variation ID: 460697). In summary, the available evidence is currently insufficient to determine the role of this variant in disease. Therefore, it has been classified as a Variant of Uncertain Significance. Algorithms developed to predict the effect of missense changes on protein structure and function (SIFT, PolyPhen-2, Align-GVGD) all suggest that this variant is likely to be tolerated.